The following is an entry in ClinVar:

ClinVar aggregate classification (germline): Uncertain significance. Review status: criteria provided, multiple submitters, no conflicts (2 of 4 stars). 3 submissions from 3 submitters: Uncertain significance (3). Last evaluated 2025-04-07.

Conditions:
Inborn genetic diseases. Identifiers: MedGen C0950123, MeSH D030342.
2-aminoadipic 2-oxoadipic aciduria (AAKAD). Also called: ALPHA-AMINOADIPIC AND ALPHA-KETOADIPIC ACIDURIA; Aminoadipic aciduria. Identifiers: Orphanet 79154, MedGen C1859817, MONDO:0008774, OMIM 204750.

Allele frequency attached by ClinVar (database versions not stated): gnomAD exomes below 0.00001; gnomAD 0.00002; TOPMed 0.00002.
gnomAD v4.1: 4 of 1,222,086 alleles (0.00033%); highest among the groups gnomAD compares: Non-Finnish European, 0.00044%; no homozygotes.

Submissions (3):

Labcorp Genetics (formerly Invitae), Labcorp
Classification: Uncertain significance for 2-aminoadipic 2-oxoadipic aciduria. Last evaluated: 2025-04-07. Review status: criteria provided, single submitter. Criteria: Invitae Variant Classification Sherloc (09022015). Collection method: clinical testing. Allele origin: germline.
Comment: This sequence change replaces serine, which is neutral and polar, with cysteine, which is neutral and slightly polar, at codon 581 of the DHTKD1 protein (p.Ser581Cys). The frequency data for this variant in the population databases is considered unreliable, as metrics indicate poor data quality at this position in the gnomAD database. This variant has not been reported in the literature in individuals affected with DHTKD1-related conditions. ClinVar contains an entry for this variant (Variation ID: 1421491). Invitae Evidence Modeling of protein sequence and biophysical properties (such as structural, functional, and spatial information, amino acid conservation, physicochemical variation, residue mobility, and thermodynamic stability) indicates that this missense variant is expected to disrupt DHTKD1 protein function with a positive predictive value of 80%. In summary, the available evidence is currently insufficient to determine the role of this variant in disease. Therefore, it has been classified as a Variant of Uncertain Significance.

Ambry Genetics
Classification: Uncertain significance for Inborn genetic diseases. Last evaluated: 2023-06-01. Review status: criteria provided, single submitter. Criteria: Ambry Variant Classification Scheme 2023. Collection method: clinical testing. Allele origin: germline.

Mayo Clinic Laboratories, Mayo Clinic
Classification: Uncertain significance. Last evaluated: 2021-06-11. Review status: criteria provided, single submitter. Criteria: ACMG Guidelines, 2015. Collection method: clinical testing. Allele origin: germline.

NM_018706.7(DHTKD1):c.1742C>G (p.Ser581Cys)

Gene: DHTKD1 (dehydrogenase E1 and transketolase domain containing 1; plus strand). Cytogenetic location: 10p14.
Variant type: single nucleotide variant.
Coding change: c.1742C>G on transcript NM_018706.7 (MANE Select); coding-DNA position 1742, C replaced by G.
Protein change: p.Ser581Cys; replaces serine 581 with cysteine.
Molecular consequence: missense variant.
Genome position (GRCh38, 1-based): chr10:12,100,248, C>G. VCF-style: chr10-12100248-C-G. GRCh37 (hg19) VCF-style: chr10-12142247-C-G.
Other names: p.Ser581Cys; c.1742C>G (NM_018706.5); short protein forms S581C.
Identifiers: ClinVar variation 1421491 (VCV001421491.11), dbSNP rs1348311643, ClinGen allele CA376021958.